The following is an entry in ClinVar:

NM_000444.6(PHEX):c.849+1268G>T

Gene: PHEX (phosphate regulating endopeptidase X-linked; plus strand). Cytogenetic location: Xp22.11.
Variant type: single nucleotide variant.
Coding change: c.849+1268G>T on transcript NM_000444.6 (MANE Select); 1268 bases into the intron after coding-DNA position 849, G replaced by T.
Molecular consequence: intron variant.
Genome position (GRCh38, 1-based): chrX:22,095,367, G>T. VCF-style: chrX-22095367-G-T. GRCh37 (hg19) VCF-style: chrX-22113485-G-T.
Other names: IVS7, +1268, G-T; c.849+1268G>T (NM_001282754.2).
Identifiers: ClinVar variation 10821 (VCV000010821.11), dbSNP rs919011936, ClinGen allele CA915950850.
Genomic context (GRCh38, chrX:22,095,367, plus strand): 5'-CTTTCCAGGCACATAGGAGGCCCAGGGCTCTCATTTGGACTAAAACTCTGAAACAGCAGG[G>T]AAGGCCTTGCCCTGAGCCAGGGATTTGGACCAAAAAGGGAACTAAAAACAGCTGGGCTGA-3'

ClinVar aggregate classification (germline): Conflicting classifications of pathogenicity. Review status: criteria provided, conflicting classifications (1 of 4 stars). 3 submissions from 3 submitters: Likely pathogenic (1); Uncertain significance (1). 1 of the submissions does not count toward it. Last evaluated 2023-04-26.

Conditions:
PHEX-related disorder. Also called: PHEX-related condition.
Familial X-linked hypophosphatemic vitamin D refractory rickets (XLHRD). Also called: Hypophosphatemia, vitamin D-resistant rickets; Vitamin D-resistant rickets, X-linked; HYPOPHOSPHATEMIC VITAMIN D-RESISTANT RICKETS; Hypophosphatemic Rickets, X-Linked Dominant; X-Linked Hypophosphatemia. Identifiers: Orphanet 89936, MedGen C0733682, MONDO:0010619, OMIM 307800.

Submissions (3):

Blueprint Genetics
Classification: Likely pathogenic for PHEX-related disorders. Last evaluated: 2023-04-26. Review status: criteria provided, single submitter. Criteria: ACMG Guidelines, 2015. Collection method: clinical testing. Allele origin: germline. Affected: yes. Observed: 3 variant alleles.

Labcorp Genetics (formerly Invitae), Labcorp
Classification: Uncertain significance. Last evaluated: 2020-09-09. Review status: criteria provided, single submitter. Criteria: Invitae Variant Classification Sherloc (09022015). Collection method: clinical testing. Allele origin: germline.
Comment: This sequence change falls in intron 7 of the PHEX gene. It does not directly change the encoded amino acid sequence of the PHEX protein. The frequency data for this variant in the population databases is considered unreliable, as metrics indicate insufficient coverage at this position in the ExAC database. This variant has been observed in individual(s) with X-linked hypophosphatemia (PMID: 11502821, Invitae). ClinVar contains an entry for this variant (Variation ID: 10821). Experimental studies have shown that this variant disrupts mRNA splicing (PMID: 11502821). In summary, the available evidence is currently insufficient to determine the role of this variant in disease. Therefore, it has been classified as a Variant of Uncertain Significance.

OMIM
Classification: Pathogenic for HYPOPHOSPHATEMIC RICKETS, X-LINKED DOMINANT. Last evaluated: 2001-08-01. Review status: no assertion criteria provided. Collection method: literature only. Allele origin: germline. Not counted in ClinVar's aggregate classification.

Literature cited by the submitters: PubMed 11502821 (cited by Labcorp Genetics (formerly Invitae), Labcorp and OMIM).